The following is an entry in ClinVar:

ClinVar aggregate classification (germline): Uncertain significance (1 of 4 stars; one submission).

Conditions:
Dilated cardiomyopathy 1G (CMD1G). Identifiers: Orphanet 154, MedGen C1858763, MONDO:0011400, OMIM 604145.
Autosomal recessive limb-girdle muscular dystrophy type 2J (LGMDR10). Also called: Limb-girdle muscular dystrophy, type 2J; MUSCULAR DYSTROPHY, LIMB-GIRDLE, AUTOSOMAL RECESSIVE 10. Identifiers: Orphanet 140922, MedGen C1837342, MONDO:0012127, OMIM 608807.

Allele frequency attached by ClinVar (database versions not stated): TOPMed below 0.00001.
gnomAD v4.1: 1 of 1,613,782 alleles (0.000062%); no homozygotes.

Submission:

Labcorp Genetics (formerly Invitae), Labcorp
Classification: Uncertain significance for Dilated cardiomyopathy 1G; Autosomal recessive limb-girdle muscular dystrophy type 2J. Last evaluated: 2023-11-11. Review status: criteria provided, single submitter. Criteria: Invitae Variant Classification Sherloc (09022015). Collection method: clinical testing. Allele origin: germline.
Comment: This sequence change replaces arginine, which is basic and polar, with lysine, which is basic and polar, at codon 34875 of the TTN protein (p.Arg34875Lys). This variant is not present in population databases (gnomAD no frequency). This variant has not been reported in the literature in individuals affected with TTN-related conditions. Experimental studies and prediction algorithms are not available or were not evaluated, and the functional significance of this variant is currently unknown. This variant is located in the M band of TTN (PMID: 25589632). Variants in this region may be relevant for neuromuscular disorders, but have not been definitively shown to cause cardiomyopathy (PMID: 23975875). In summary, the available evidence is currently insufficient to determine the role of this variant in disease. Therefore, it has been classified as a Variant of Uncertain Significance.

Literature cited by the submitters: PubMed 25589632; PubMed 23975875.

NM_001267550.2(TTN):c.104624G>A (p.Arg34875Lys)

Genes: TTN (titin; minus strand), TTN-AS1 (TTN antisense RNA 1; plus strand). Cytogenetic location: 2q31.2.
Variant type: single nucleotide variant.
Coding change: c.104624G>A on transcript NM_001267550.2 (MANE Select); coding-DNA position 104624, G replaced by A.
Protein change: p.Arg34875Lys; replaces arginine 34875 with lysine.
Molecular consequence: missense variant.
Genome position (GRCh38, 1-based): chr2:178,531,991, C>T on the plus strand (G>A on the coding strand, the complement: TTN is on the minus strand). VCF-style: chr2-178531991-C-T. GRCh37 (hg19) VCF-style: chr2-179396718-C-T.
Other names: c.99701G>A, p.Arg33234Lys (NM_001256850.1); c.77429G>A, p.Arg25810Lys (NM_003319.4); c.96920G>A, p.Arg32307Lys (NM_133378.4); c.77804G>A, p.Arg25935Lys (NM_133432.3); c.78005G>A, p.Arg26002Lys (NM_133437.4); short protein forms R25810K, R26002K, R33234K, R25935K, R32307K, R34875K.
Identifiers: ClinVar variation 2940358 (VCV002940358.3), dbSNP rs1689326200, ClinGen allele CA349411269.